The following is an entry in ClinVar:

ClinVar aggregate classification (germline): Likely benign (1 of 4 stars; one submission).

Conditions:
Factor VII-activating protease marburg I. Identifiers: MedGen CN068943.

Allele frequency attached by ClinVar (database versions not stated): gnomAD 0.00001 and 0.00007; TOPMed 0.00002; gnomAD exomes 0.00020 and 0.00044; 1000 Genomes Project 30x 0.00031; 1000 Genomes Project 0.00040; ExAC 0.00051.

Submission:

Illumina Laboratory Services, Illumina
Classification: Likely benign for Factor VII Marburg I Variant Thrombophilia. Last evaluated: 2018-03-06. Review status: criteria provided, single submitter. Criteria: ICSL Variant Classification Criteria 13 December 2019. Collection method: clinical testing. Allele origin: germline.
Comment: This variant was observed in the ICSL laboratory as part of a predisposition screen in an ostensibly healthy population. It had not been previously curated by ICSL or reported in the Human Gene Mutation Database (HGMD: prior to June 1st, 2018), and was therefore a candidate for classification through an automated scoring system. Utilizing variant allele frequency, disease prevalence and penetrance estimates, and inheritance mode, an automated score was calculated to assess if this variant is too frequent to cause the disease. Based on the score and internal cut-off values, a variant classified as likely benign is not then subjected to further curation. The score for this variant resulted in a classification of likely benign for this disease.

NM_004132.5(HABP2):c.46C>G (p.Leu16Val)

Gene: HABP2 (hyaluronan binding protein 2; plus strand). Cytogenetic location: 10q25.3.
Variant type: single nucleotide variant.
Coding change: c.46C>G on transcript NM_004132.5 (MANE Select); coding-DNA position 46, C replaced by G.
Protein change: p.Leu16Val; replaces leucine 16 with valine.
Molecular consequence: missense variant. On other transcripts: intron variant (1).
Genome position (GRCh38, 1-based): chr10:113,553,167, C>G. VCF-style: chr10-113553167-C-G. GRCh37 (hg19) VCF-style: chr10-115312926-C-G.
Other names: c.-10+2206C>G (NM_001177660.3); short protein forms L16V.
Identifiers: ClinVar variation 879381 (VCV000879381.4), dbSNP rs567136227, ClinGen allele CA5693418.